The following is an entry in ClinVar:

ClinVar aggregate classification (germline): Uncertain significance (1 of 4 stars; one submission).

Submission:

Labcorp Genetics (formerly Invitae), Labcorp
Classification: Uncertain significance. Last evaluated: 2022-06-28. Review status: criteria provided, single submitter. Criteria: Invitae Variant Classification Sherloc (09022015). Collection method: clinical testing. Allele origin: germline.
Comment: This sequence change replaces glutamine, which is neutral and polar, with arginine, which is basic and polar, at codon 346 of the NR2E3 protein (p.Gln346Arg). This variant is not present in population databases (gnomAD no frequency). This variant has not been reported in the literature in individuals affected with NR2E3-related conditions. Experimental studies and prediction algorithms are not available or were not evaluated, and the functional significance of this variant is currently unknown. In summary, the available evidence is currently insufficient to determine the role of this variant in disease. Therefore, it has been classified as a Variant of Uncertain Significance.

NM_014249.4(NR2E3):c.1037A>G (p.Gln346Arg)

Gene: NR2E3 (nuclear receptor subfamily 2 group E member 3; plus strand). Cytogenetic location: 15q23.
Variant type: single nucleotide variant.
Coding change: c.1037A>G on transcript NM_014249.4 (MANE Select); coding-DNA position 1037, A replaced by G.
Protein change: p.Gln346Arg; replaces glutamine 346 with arginine.
Molecular consequence: missense variant.
Genome position (GRCh38, 1-based): chr15:71,814,054, A>G. VCF-style: chr15-71814054-A-G. GRCh37 (hg19) VCF-style: chr15-72106395-A-G.
Other names: c.1037A>G, p.Gln346Arg (NM_016346.4); short protein forms Q346R.
Identifiers: ClinVar variation 1522164 (VCV001522164.3), dbSNP rs2140291744, ClinGen allele CA393039289.